The following is an entry in ClinVar:

NM_001384474.1(LOXHD1):c.164G>A (p.Arg55His)

Gene: LOXHD1 (lipoxygenase homology PLAT domains 1; minus strand). Cytogenetic location: 18q21.1.
Variant type: single nucleotide variant.
Coding change: c.164G>A on transcript NM_001384474.1 (MANE Select); coding-DNA position 164, G replaced by A.
Protein change: p.Arg55His; replaces arginine 55 with histidine.
Molecular consequence: missense variant.
Genome position (GRCh38, 1-based): chr18:46,649,236, C>T on the plus strand (G>A on the coding strand, the complement: LOXHD1 is on the minus strand). VCF-style: chr18-46649236-C-T. GRCh37 (hg19) VCF-style: chr18-44229199-C-T.
Other names: c.164G>A (NM_144612.6); c.164G>A, p.Arg55His (NM_144612.7); short protein forms R55H.
Identifiers: ClinVar variation 1358158 (VCV001358158.5), dbSNP rs377414885, ClinGen allele CA8952955.

ClinVar aggregate classification (germline): Uncertain significance. Review status: criteria provided, multiple submitters, no conflicts (2 of 4 stars). 2 submissions from 2 submitters: Uncertain significance (2). Last evaluated 2025-04-28.

Conditions:
Inborn genetic diseases. Identifiers: MedGen C0950123, MeSH D030342.

Allele frequency attached by ClinVar (database versions not stated): gnomAD 0.00001; TOPMed 0.00001; gnomAD exomes 0.00004; ExAC 0.00009; ESP Exome Variant Server 0.00022.
gnomAD v4.1: 52 of 1,551,748 alleles (0.0034%); highest among the groups gnomAD compares: Non-Finnish European, 0.0041%; no homozygotes.

Submissions (2):

Labcorp Genetics (formerly Invitae), Labcorp
Classification: Uncertain significance. Last evaluated: 2025-04-28. Review status: criteria provided, single submitter. Criteria: Invitae Variant Classification Sherloc (09022015). Collection method: clinical testing. Allele origin: germline.
Comment: This sequence change replaces arginine, which is basic and polar, with histidine, which is basic and polar, at codon 55 of the LOXHD1 protein (p.Arg55His). This variant is present in population databases (rs377414885, gnomAD 0.01%). This variant has not been reported in the literature in individuals affected with LOXHD1-related conditions. ClinVar contains an entry for this variant (Variation ID: 1358158). Experimental studies and prediction algorithms are not available or were not evaluated, and the functional significance of this variant is currently unknown. In summary, the available evidence is currently insufficient to determine the role of this variant in disease. Therefore, it has been classified as a Variant of Uncertain Significance.

Ambry Genetics
Classification: Uncertain significance for Inborn genetic diseases. Last evaluated: 2025-04-10. Review status: criteria provided, single submitter. Criteria: Ambry Variant Classification Scheme 2023. Collection method: clinical testing. Allele origin: germline.